The following is an entry in ClinVar:

ClinVar aggregate classification (germline): Pathogenic. Review status: criteria provided, multiple submitters, no conflicts (2 of 4 stars). 2 submissions from 2 submitters: Pathogenic (2). Last evaluated 2025-08-01.

Conditions:
Hereditary cancer-predisposing syndrome. Also called: Hereditary Cancer Syndrome; Hereditary neoplastic syndrome; Neoplastic Syndromes, Hereditary; Tumor predisposition. Identifiers: Orphanet 140162, MedGen C0027672, MeSH D009386, MONDO:0015356.
Hereditary breast ovarian cancer syndrome. Also called: BRCA1- and BRCA2-Associated Hereditary Breast and Ovarian Cancer; Hereditary breast and ovarian cancer; Hereditary breast and ovarian cancer syndrome (HBOC); Hereditary breast and/or ovarian cancer syndrome; Hereditary breast and ovarian cancer syndrome; Breast and ovarian cancer. Identifiers: Orphanet 145, MedGen C0677776, MeSH D061325, MONDO:0003582. Disease mechanism: loss of function.

Submissions (2):

Ambry Genetics
Classification: Pathogenic for Hereditary cancer-predisposing syndrome. Last evaluated: 2025-08-01. Review status: criteria provided, single submitter. Criteria: Ambry Variant Classification Scheme 2023. Collection method: clinical testing. Allele origin: germline.
Comment: The p.Q3206* pathogenic mutation (also known as c.9616C>T), located in coding exon 25 of the BRCA2 gene, results from a C to T substitution at nucleotide position 9616. This changes the amino acid from a glutamine to a stop codon within coding exon 25. This alteration occurs at the 3' terminus of theBRCA2 gene, is not expected to trigger nonsense-mediated mRNA decay, and impacts the last 6% of the protein. However, premature stop codons are typically deleterious in nature, the impacted region is critical for protein function, and a significant portion of the protein is affected (Ambry internal data). This variant is considered to be rare based on population cohorts in the Genome Aggregation Database (gnomAD). As such, this alteration is interpreted as a disease-causing mutation.

Labcorp Genetics (formerly Invitae), Labcorp
Classification: Pathogenic for Hereditary breast ovarian cancer syndrome. Last evaluated: 2021-03-02. Review status: criteria provided, single submitter. Criteria: Invitae Variant Classification Sherloc (09022015). Collection method: clinical testing. Allele origin: germline.
Comment: This sequence change creates a premature translational stop signal (p.Gln3206*) in the BRCA2 gene. While this is not anticipated to result in nonsense mediated decay, it is expected to disrupt the last 213 amino acid(s) of the BRCA2 protein. This variant is not present in population databases (ExAC no frequency). This variant has not been reported in the literature in individuals with BRCA2-related conditions. This variant disrupts the C-terminus of the BRCA2 protein. Other variant(s) that disrupt this region (p.Tyr3308*) have been determined to be pathogenic (PMID: 18593900, 18607349, 17026620, 22711857). This suggests that variants that disrupt this region of the protein are likely to be causative of disease. For these reasons, this variant has been classified as Pathogenic.

Literature cited by the submitters: PubMed 18593900 (cited by Labcorp Genetics (formerly Invitae), Labcorp); PubMed 18607349 (cited by Labcorp Genetics (formerly Invitae), Labcorp); PubMed 17026620 (cited by Labcorp Genetics (formerly Invitae), Labcorp); PubMed 22711857 (cited by Labcorp Genetics (formerly Invitae), Labcorp).

NM_000059.4(BRCA2):c.9616C>T (p.Gln3206Ter)

Gene: BRCA2 (BRCA2 DNA repair associated; plus strand). Cytogenetic location: 13q13.1.
Variant type: single nucleotide variant.
Coding change: c.9616C>T on transcript NM_000059.4 (MANE Select); coding-DNA position 9616, C replaced by T.
Protein change: p.Gln3206Ter; replaces glutamine 3206 with a stop codon.
Molecular consequence: nonsense.
Genome position (GRCh38, 1-based): chr13:32,397,012, C>T. VCF-style: chr13-32397012-C-T. GRCh37 (hg19) VCF-style: chr13-32971149-C-T.
Other names: c.9616C>T (NM_000059.3); short protein forms Q3206*.
Identifiers: ClinVar variation 1451757 (VCV001451757.9), dbSNP rs80359233, ClinGen allele CA387763665.